The following is an entry in ClinVar:

ClinVar aggregate classification (germline): Uncertain significance (1 of 4 stars; one submission).

Conditions:
C3 glomerulonephritis. Also called: C3 GLOMERULOPATHY 3; Nephropathy due to CFHR5 Deficiency. Identifiers: Orphanet 329931, MedGen C4055342, MONDO:0013892, OMIM 614809.

Submission:

Genomenon, Inc
Classification: Uncertain significance for C3 glomerulonephritis. Last evaluated: 2025-09-30. Review status: criteria provided, single submitter. Criteria: Genomenon Sequence Variant Interpretation Standards. Collection method: curation. Allele origin: germline. Affected: yes.
Comment: C3 p.Phe830Val (c.2488T>G) is a missense variant that changes the amino acid at residue 830 from Phenylalanine to Valine. This variant has been observed in at least one proband affected with C3 glomerulonephritis (PMID:30077216). It is absent or not present at a significant frequency in gnomAD. In conclusion, we classify C3 p.Phe830Val (c.2488T>G) as a variant of unknown significance.

Literature cited by the submitters: PubMed 30077216.

NM_000064.4(C3):c.2488T>G (p.Phe830Val)

Gene: C3 (complement C3; minus strand). Cytogenetic location: 19p13.3.
Variant type: single nucleotide variant.
Coding change: c.2488T>G on transcript NM_000064.4 (MANE Select); coding-DNA position 2488, T replaced by G.
Protein change: p.Phe830Val; replaces phenylalanine 830 with valine.
Molecular consequence: missense variant.
Genome position (GRCh38, 1-based): chr19:6,697,747, A>C on the plus strand (T>G on the coding strand, the complement: C3 is on the minus strand). VCF-style: chr19-6697747-A-C. GRCh37 (hg19) VCF-style: chr19-6697758-A-C.
Other names: short protein forms F830V.
Identifiers: ClinVar variation 4280168 (VCV004280168.1).